The following is an entry in ClinVar:

ClinVar aggregate classification (germline): Uncertain significance (1 of 4 stars; one submission).

Allele frequency attached by ClinVar (database versions not stated): gnomAD exomes below 0.00001.
gnomAD v4.1: 1 of 1,608,772 alleles (0.000062%); highest among the groups gnomAD compares: East Asian, 0.0022%; no homozygotes.

Submission:

Labcorp Genetics (formerly Invitae), Labcorp
Classification: Uncertain significance. Last evaluated: 2022-05-17. Review status: criteria provided, single submitter. Criteria: Invitae Variant Classification Sherloc (09022015). Collection method: clinical testing. Allele origin: germline.
Comment: Advanced modeling of protein sequence and biophysical properties (such as structural, functional, and spatial information, amino acid conservation, physicochemical variation, residue mobility, and thermodynamic stability) performed at Invitae indicates that this missense variant is expected to disrupt COL9A3 protein function. In summary, the available evidence is currently insufficient to determine the role of this variant in disease. Therefore, it has been classified as a Variant of Uncertain Significance. This variant has not been reported in the literature in individuals affected with COL9A3-related conditions. This sequence change replaces glycine, which is neutral and non-polar, with serine, which is neutral and polar, at codon 409 of the COL9A3 protein (p.Gly409Ser). The frequency data for this variant in the population databases is considered unreliable, as metrics indicate poor data quality at this position in the gnomAD database.

NM_001853.4(COL9A3):c.1225G>A (p.Gly409Ser)

Gene: COL9A3 (collagen type IX alpha 3 chain; plus strand). Cytogenetic location: 20q13.33.
Variant type: single nucleotide variant.
Coding change: c.1225G>A on transcript NM_001853.4 (MANE Select); coding-DNA position 1225, G replaced by A.
Protein change: p.Gly409Ser; replaces glycine 409 with serine.
Molecular consequence: missense variant.
Genome position (GRCh38, 1-based): chr20:62,830,526, G>A. VCF-style: chr20-62830526-G-A. GRCh37 (hg19) VCF-style: chr20-61461878-G-A.
Other names: short protein forms G409S.
Identifiers: ClinVar variation 2131700 (VCV002131700.4), dbSNP rs1406567877, ClinGen allele CA409594666.